The following is an entry in ClinVar:

ClinVar aggregate classification (germline): Pathogenic (1 of 4 stars; one submission).

Conditions:
Retinitis pigmentosa 12 (RP12). Also called: RP WITH OR WITHOUT PPRPE; RP WITH OR WITHOUT PRESERVED PARAARTERIOLE RETINAL PIGMENT EPITHELIUM; RETINITIS PIGMENTOSA WITH OR WITHOUT PARAARTERIOLAR PRESERVATION OF RETINAL PIGMENT EPITHELIUM. Identifiers: Orphanet 791, MedGen C1838647, MONDO:0010818, OMIM 600105.
Leber congenital amaurosis 8 (LCA8). Identifiers: Orphanet 65, MedGen C3151202, MONDO:0013453, OMIM 613835.

Submission:

Labcorp Genetics (formerly Invitae), Labcorp
Classification: Pathogenic for Leber congenital amaurosis 8; Retinitis pigmentosa 12. Last evaluated: 2022-06-03. Review status: criteria provided, single submitter. Criteria: Invitae Variant Classification Sherloc (09022015). Collection method: clinical testing. Allele origin: germline.
Comment: This variant has not been reported in the literature in individuals affected with CRB1-related conditions. For these reasons, this variant has been classified as Pathogenic. ClinVar contains an entry for this variant (Variation ID: 851408). This variant is not present in population databases (gnomAD no frequency). This sequence change creates a premature translational stop signal (p.Gln164*) in the CRB1 gene. It is expected to result in an absent or disrupted protein product. Loss-of-function variants in CRB1 are known to be pathogenic (PMID: 10508521, 22065545, 23379534, 25412400, 26957898, 28041643, 29391521).

Literature cited by the submitters: PubMed 10508521; PubMed 22065545; PubMed 23379534; PubMed 25412400; PubMed 26957898; PubMed 28041643; PubMed 29391521.

NM_201253.3(CRB1):c.490C>T (p.Gln164Ter)

Gene: CRB1 (crumbs cell polarity complex component 1; plus strand). Cytogenetic location: 1q31.3.
Variant type: single nucleotide variant.
Coding change: c.490C>T on transcript NM_201253.3 (MANE Select); coding-DNA position 490, C replaced by T.
Protein change: p.Gln164Ter; replaces glutamine 164 with a stop codon.
Molecular consequence: nonsense. On other transcripts: non-coding transcript variant (2).
Genome position (GRCh38, 1-based): chr1:197,328,841, C>T. VCF-style: chr1-197328841-C-T. GRCh37 (hg19) VCF-style: chr1-197297971-C-T.
Other names: c.490C>T, p.Gln164Ter (NM_001193640.2, NM_001257966.2); c.283C>T, p.Gln95Ter (NM_001257965.2); short protein forms Q164*, Q95*.
Identifiers: ClinVar variation 851408 (VCV000851408.7), dbSNP rs1658684590, ClinGen allele CA344085889.